The following is an entry in ClinVar:

ClinVar aggregate classification (germline): Uncertain significance. Review status: criteria provided, multiple submitters, no conflicts (2 of 4 stars). 2 submissions from 2 submitters: Uncertain significance (2). Last evaluated 2025-04-28.

Submissions (2):

Labcorp Genetics (formerly Invitae), Labcorp
Classification: Uncertain significance. Last evaluated: 2025-04-28. Review status: criteria provided, single submitter. Criteria: Invitae Variant Classification Sherloc (09022015). Collection method: clinical testing. Allele origin: germline.
Comment: This sequence change replaces isoleucine, which is neutral and non-polar, with threonine, which is neutral and polar, at codon 277 of the NPAT protein (p.Ile277Thr). This variant is not present in population databases (gnomAD no frequency). This variant has not been reported in the literature in individuals affected with NPAT-related conditions. ClinVar contains an entry for this variant (Variation ID: 1762879). An algorithm developed to predict the effect of missense changes on protein structure and function outputs the following: PolyPhen-2: "Benign". The threonine amino acid residue is found in multiple mammalian species, which suggests that this missense change does not adversely affect protein function. In summary, the available evidence is currently insufficient to determine the role of this variant in disease. Therefore, it has been classified as a Variant of Uncertain Significance.

Ambry Genetics
Classification: Uncertain significance. Last evaluated: 2021-12-13. Review status: criteria provided, single submitter. Criteria: Ambry Variant Classification Scheme 2023. Collection method: clinical testing. Allele origin: germline.
Comment: The p.I277T variant (also known as c.830T>C), located in coding exon 10 of the NPAT gene, results from a T to C substitution at nucleotide position 830. The isoleucine at codon 277 is replaced by threonine, an amino acid with similar properties. This amino acid position is conserved. In addition, this alteration is predicted to be tolerated by in silico analysis. Since supporting evidence is limited at this time, the clinical significance of this alteration remains unclear.

NM_002519.3(NPAT):c.830T>C (p.Ile277Thr)

Gene: NPAT (nuclear protein, coactivator of histone transcription; minus strand). Cytogenetic location: 11q22.3.
Variant type: single nucleotide variant.
Coding change: c.830T>C on transcript NM_002519.3 (MANE Select); coding-DNA position 830, T replaced by C.
Protein change: p.Ile277Thr; replaces isoleucine 277 with threonine.
Molecular consequence: missense variant.
Genome position (GRCh38, 1-based): chr11:108,185,308, A>G on the plus strand (T>C on the coding strand, the complement: NPAT is on the minus strand). VCF-style: chr11-108185308-A-G. GRCh37 (hg19) VCF-style: chr11-108056035-A-G.
Other names: c.830T>C, p.Ile277Thr (NM_001321307.1); short protein forms I277T.
Identifiers: ClinVar variation 1762879 (VCV001762879.4), dbSNP rs2496737791, ClinGen allele CA382520295.